The following is an entry in ClinVar:

NM_170707.4(LMNA):c.307C>T (p.Gln103Ter)

Gene: LMNA (lamin A/C; plus strand). Cytogenetic location: 1q22.
Variant type: single nucleotide variant.
Coding change: c.307C>T on transcript NM_170707.4 (MANE Select); coding-DNA position 307, C replaced by T.
Protein change: p.Gln103Ter; replaces glutamine 103 with a stop codon.
Molecular consequence: nonsense.
Genome position (GRCh38, 1-based): chr1:156,115,225, C>T. VCF-style: chr1-156115225-C-T. GRCh37 (hg19) VCF-style: chr1-156085016-C-T.
Other names: c.307C>T, p.Gln103Ter (NM_001282625.2, NM_001282626.2, NM_005572.4 and 1 more transcripts); short protein forms Q103*.
Identifiers: ClinVar variation 430457 (VCV000430457.4), dbSNP rs1131691980, ClinGen allele CA342808718.
Genomic context (GRCh38, chr1:156,115,225, plus strand): 5'-GCCGAGCTCGGGGATGCCCGCAAGACCCTTGACTCAGTAGCCAAGGAGCGCGCCCGCCTG[C>T]AGCTGGAGCTGAGCAAAGTGCGTGAGGAGTTTAAGGAGCTGAAAGCGCGGTGAGTTCGCC-3'

ClinVar aggregate classification (germline): Pathogenic/Likely pathogenic. Review status: criteria provided, multiple submitters, no conflicts (2 of 4 stars). 2 submissions from 2 submitters: Pathogenic (1); Likely pathogenic (1). Last evaluated 2024-06-01.

Conditions:
Charcot-Marie-Tooth disease type 2. Also called: Charcot-Marie-Tooth type 2. Identifiers: Orphanet 64746, MedGen C0270914, MONDO:0018993.

Submissions (2):

Labcorp Genetics (formerly Invitae), Labcorp
Classification: Pathogenic for Charcot-Marie-Tooth disease type 2. Last evaluated: 2024-06-01. Review status: criteria provided, single submitter. Criteria: Invitae Variant Classification Sherloc (09022015). Collection method: clinical testing. Allele origin: germline.
Comment: This sequence change creates a premature translational stop signal (p.Gln103*) in the LMNA gene. It is expected to result in an absent or disrupted protein product. Loss-of-function variants in LMNA are known to be pathogenic (PMID: 18585512, 18926329). This variant is not present in population databases (gnomAD no frequency). This variant has not been reported in the literature in individuals affected with LMNA-related conditions. ClinVar contains an entry for this variant (Variation ID: 430457). For these reasons, this variant has been classified as Pathogenic.

GeneDx
Classification: Likely pathogenic. Last evaluated: 2016-09-01. Review status: criteria provided, single submitter. Criteria: GeneDx Variant Classification (06012015). Collection method: clinical testing. Allele origin: germline. Affected: yes.
Comment: The Q103X variant in the LMNA gene has not been reported as a pathogenic variant or as a benign variant to our knowledge. The Q103X variant is predicted to cause loss of normal protein function either by protein truncation or nonsense-mediated mRNA decay. Other nonsense variants in the LMNA gene have been reported in HGMD in association with cardiomyopathy (Stenson et al., 2014). Furthermore, the Q103X variant was not observed in approximately 6,500 individuals of European and African American ancestry in the NHLBI Exome Sequencing Project, indicating it is not a common benign variant in these populations.In summary, Q103X in the LMNA gene is expected to be pathogenic

Literature cited by the submitters: PubMed 18585512 (cited by Labcorp Genetics (formerly Invitae), Labcorp); PubMed 18926329 (cited by Labcorp Genetics (formerly Invitae), Labcorp).